The following is an entry in ClinVar:

NM_004990.4(MARS1):c.901C>T (p.Arg301Cys)

Gene: MARS1 (methionyl-tRNA synthetase 1; plus strand). Cytogenetic location: 12q13.3.
Variant type: single nucleotide variant.
Coding change: c.901C>T on transcript NM_004990.4 (MANE Select); coding-DNA position 901, C replaced by T.
Protein change: p.Arg301Cys; replaces arginine 301 with cysteine.
Molecular consequence: missense variant.
Genome position (GRCh38, 1-based): chr12:57,498,433, C>T. VCF-style: chr12-57498433-C-T. GRCh37 (hg19) VCF-style: chr12-57892216-C-T.
Other names: short protein forms R301C.
Identifiers: ClinVar variation 475433 (VCV000475433.30), dbSNP rs139661803, ClinGen allele CA6650366.

ClinVar aggregate classification (germline): Benign/Likely benign. Review status: criteria provided, multiple submitters, no conflicts (2 of 4 stars). 5 submissions from 5 submitters: Benign (2); Likely benign (2). 1 of the submissions does not count toward it. Last evaluated 2026-01-12.

Conditions:
Charcot-Marie-Tooth disease. Also called: Charcot-Marie-Tooth Hereditary Neuropathy; Charcot-Marie-Tooth Neuropathy. Identifiers: Orphanet 166, MedGen C0007959, MONDO:0015626.
Severe early-onset pulmonary alveolar proteinosis due to MARS deficiency. Also called: PULMONARY ALVEOLAR PROTEINOSIS, REUNION ISLAND; Interstitial lung and liver disease. Identifiers: Orphanet 440427, MedGen C4225400, MONDO:0014206, OMIM 615486.
Charcot-Marie-Tooth disease axonal type 2U. Also called: CHARCOT-MARIE-TOOTH NEUROPATHY, TYPE 2U; CHARCOT-MARIE-TOOTH DISEASE, AXONAL, AUTOSOMAL DOMINANT, TYPE 2U. Identifiers: Orphanet 397735, MedGen C4084821, MONDO:0014566, OMIM 616280.
MARS1-related disorder. Also called: MARS1-related condition.

Allele frequency attached by ClinVar (database versions not stated): ESP Exome Variant Server 0.00015; gnomAD exomes 0.00037 and 0.00083; ExAC 0.00050; gnomAD 0.00052 and 0.00053; TOPMed 0.00057.

Submissions (5):

Labcorp Genetics (formerly Invitae), Labcorp
Classification: Benign for Charcot-Marie-Tooth disease axonal type 2U; Severe early-onset pulmonary alveolar proteinosis due to MARS deficiency. Last evaluated: 2026-01-12. Review status: criteria provided, single submitter. Criteria: Invitae Variant Classification Sherloc (09022015). Collection method: clinical testing. Allele origin: germline.

CeGaT Center for Human Genetics Tuebingen
Classification: Benign. Last evaluated: 2024-10-01. Review status: criteria provided, single submitter. Criteria: CeGaT Center For Human Genetics Tuebingen Variant Classification Criteria Version 2. Collection method: clinical testing. Allele origin: germline. Affected: yes. Observed: 1 variant allele.
Comment: MARS1: BS1, BS2

Ambry Genetics
Classification: Likely benign. Last evaluated: 2019-10-15. Review status: criteria provided, single submitter. Criteria: Ambry Variant Classification Scheme 2023. Collection method: clinical testing. Allele origin: germline.

Molecular Genetics Laboratory, London Health Sciences Centre
Classification: Likely benign for Charcot-Marie-Tooth disease. Review status: criteria provided, single submitter. Criteria: ACMG Guidelines, 2015. Collection method: clinical testing. Allele origin: germline. Affected: yes.

PreventionGenetics, part of Exact Sciences
Classification: Benign for MARS1-related condition. Last evaluated: 2019-05-24. Review status: no assertion criteria provided. Collection method: clinical testing. Allele origin: germline. Not counted in ClinVar's aggregate classification.
Comment: This variant is classified as benign based on ACMG/AMP sequence variant interpretation guidelines (Richards et al. 2015 PMID: 25741868, with internal and published modifications).